The following is an entry in ClinVar:

ClinVar aggregate classification (germline): Uncertain significance. Review status: criteria provided, multiple submitters, no conflicts (2 of 4 stars). 2 submissions from 2 submitters: Uncertain significance (2). Last evaluated 2023-04-26.

gnomAD v4.1: 1 of 1,614,198 alleles (0.000062%); highest among the groups gnomAD compares: Non-Finnish European, 0.000085%; no homozygotes.

Submissions (2):

Labcorp Genetics (formerly Invitae), Labcorp
Classification: Uncertain significance. Last evaluated: 2023-04-26. Review status: criteria provided, single submitter. Criteria: Invitae Variant Classification Sherloc (09022015). Collection method: clinical testing. Allele origin: germline.
Comment: This variant has not been reported in the literature in individuals affected with NPAT-related conditions. This variant is not present in population databases (gnomAD no frequency). This sequence change replaces threonine, which is neutral and polar, with isoleucine, which is neutral and non-polar, at codon 876 of the NPAT protein (p.Thr876Ile). ClinVar contains an entry for this variant (Variation ID: 1794010). In summary, the available evidence is currently insufficient to determine the role of this variant in disease. Therefore, it has been classified as a Variant of Uncertain Significance. An algorithm developed to predict the effect of missense changes on protein structure and function (PolyPhen-2) suggests that this variant is likely to be disruptive.

Ambry Genetics
Classification: Uncertain significance. Last evaluated: 2022-07-30. Review status: criteria provided, single submitter. Criteria: Ambry Variant Classification Scheme 2023. Collection method: clinical testing. Allele origin: germline.
Comment: The p.T876I variant (also known as c.2627C>T), located in coding exon 13 of the NPAT gene, results from a C to T substitution at nucleotide position 2627. The threonine at codon 876 is replaced by isoleucine, an amino acid with similar properties. This amino acid position is conserved. In addition, this alteration is predicted to be tolerated by in silico analysis. Since supporting evidence is limited at this time, the clinical significance of this alteration remains unclear.

NM_002519.3(NPAT):c.2627C>T (p.Thr876Ile)

Gene: NPAT (nuclear protein, coactivator of histone transcription; minus strand). Cytogenetic location: 11q22.3.
Variant type: single nucleotide variant.
Coding change: c.2627C>T on transcript NM_002519.3 (MANE Select); coding-DNA position 2627, C replaced by T.
Protein change: p.Thr876Ile; replaces threonine 876 with isoleucine.
Molecular consequence: missense variant.
Genome position (GRCh38, 1-based): chr11:108,172,357, G>A on the plus strand (C>T on the coding strand, the complement: NPAT is on the minus strand). VCF-style: chr11-108172357-G-A. GRCh37 (hg19) VCF-style: chr11-108043084-G-A.
Other names: c.2627C>T, p.Thr876Ile (NM_001321307.1); short protein forms T876I.
Identifiers: ClinVar variation 1794010 (VCV001794010.5), dbSNP rs1267957105, ClinGen allele CA382512568.